The following is an entry in ClinVar:

NM_000814.6(GABRB3):c.1163C>T (p.Thr388Ile)

Gene: GABRB3 (gamma-aminobutyric acid type A receptor subunit beta3; minus strand). Cytogenetic location: 15q12.
Variant type: single nucleotide variant.
Coding change: c.1163C>T on transcript NM_000814.6 (MANE Select); coding-DNA position 1163, C replaced by T.
Protein change: p.Thr388Ile; replaces threonine 388 with isoleucine.
Molecular consequence: missense variant.
Genome position (GRCh38, 1-based): chr15:26,548,052, G>A on the plus strand (C>T on the coding strand, the complement: GABRB3 is on the minus strand). VCF-style: chr15-26548052-G-A. GRCh37 (hg19) VCF-style: chr15-26793199-G-A.
Other names: c.908C>T, p.Thr303Ile (NM_001191320.2, NM_001278631.2); c.950C>T, p.Thr317Ile (NM_001191321.3); c.1163C>T, p.Thr388Ile (NM_021912.5); short protein forms T303I, T317I, T388I.
Identifiers: ClinVar variation 2430642 (VCV002430642.1), dbSNP rs1238941293, ClinGen allele CA391459192.

ClinVar aggregate classification (germline): Uncertain significance (1 of 4 stars; one submission).

Submission:

GeneDx
Classification: Uncertain significance. Last evaluated: 2023-02-22. Review status: criteria provided, single submitter. Criteria: GeneDx Variant Classification Process June 2021. Collection method: clinical testing. Allele origin: germline. Affected: yes.
Comment: Not observed at significant frequency in large population cohorts (gnomAD); In silico analysis supports that this missense variant does not alter protein structure/function; Has not been previously published as pathogenic or benign to our knowledge